The following is an entry in ClinVar:

ClinVar aggregate classification (germline): Uncertain significance (1 of 4 stars; one submission).

Submission:

GeneDx
Classification: Uncertain significance. Last evaluated: 2022-11-23. Review status: criteria provided, single submitter. Criteria: GeneDx Variant Classification Process June 2021. Collection method: clinical testing. Allele origin: germline. Affected: yes.
Comment: Not observed at significant frequency in large population cohorts (gnomAD); In silico analysis supports that this missense variant has a deleterious effect on protein structure/function; Has not been previously published as pathogenic or benign to our knowledge

NM_001354604.2(MITF):c.1232G>T (p.Gly411Val)

Gene: MITF (melanocyte inducing transcription factor; plus strand). Cytogenetic location: 3p13.
Variant type: single nucleotide variant.
Coding change: c.1232G>T on transcript NM_001354604.2 (MANE Select); coding-DNA position 1232, G replaced by T.
Protein change: p.Gly411Val; replaces glycine 411 with valine.
Molecular consequence: missense variant.
Genome position (GRCh38, 1-based): chr3:69,964,899, G>T. VCF-style: chr3-69964899-G-T. GRCh37 (hg19) VCF-style: chr3-70014050-G-T.
Other names: c.911G>T, p.Gly304Val (NM_000248.4); c.1058G>T, p.Gly353Val (NM_001184967.2, NM_001354608.2); c.1229G>T, p.Gly410Val (NM_001354605.2); c.1211G>T, p.Gly404Val (NM_001354606.2, NM_006722.3); c.1163G>T, p.Gly388Val (NM_001354607.2); c.893G>T, p.Gly298Val (NM_198158.3); c.1214G>T, p.Gly405Val (NM_198159.3); c.1166G>T, p.Gly389Val (NM_198177.3); and 1 more; short protein forms G242V, G298V, G304V, G353V, G388V, G389V, G404V, G405V.
Identifiers: ClinVar variation 2503296 (VCV002503296.1), dbSNP rs2107551923, ClinGen allele CA353559411.